The following is an entry in ClinVar:

NC_000016.10:g.(?_3780712)_(3781326_?)del

Genes: CREBBP (CREB binding lysine acetyltransferase; minus strand), LOC130058353 (ATAC-STARR-seq lymphoblastoid active region 10333; plus strand). Cytogenetic location: 16p13.3.
Variant type: Deletion.
Identifiers: ClinVar variation 651826 (VCV000651826.6).

ClinVar aggregate classification (germline): Pathogenic (1 of 4 stars; one submission).

Conditions:
Rubinstein-Taybi syndrome (RSTS). Identifiers: Orphanet 783, MedGen C0035934, MONDO:0019188.

Submission:

Labcorp Genetics (formerly Invitae), Labcorp
Classification: Pathogenic for Rubinstein-Taybi syndrome. Last evaluated: 2018-09-06. Review status: criteria provided, single submitter. Criteria: Invitae Variant Classification Sherloc (09022015). Collection method: clinical testing. Allele origin: germline.
Comment: This variant is an out-of-frame deletion of the genomic region encompassing exons 7-8 of the CREBBP gene. This is expected to create a premature translational stop signal and result in an absent or disrupted protein product. This variant has not been reported in the literature in individuals with CREBBP-related disease. Loss-of-function variants in CREBBP are known to be pathogenic (PMID: 17052327, 18792986). For these reasons, this variant has been classified as Pathogenic.

Literature cited by the submitters: PubMed 17052327; PubMed 18792986.